The following is an entry in ClinVar:

NM_004415.4(DSP):c.2219G>A (p.Cys740Tyr)

Gene: DSP (desmoplakin; plus strand). Cytogenetic location: 6p24.3.
Variant type: single nucleotide variant.
Coding change: c.2219G>A on transcript NM_004415.4 (MANE Select); coding-DNA position 2219, G replaced by A.
Protein change: p.Cys740Tyr; replaces cysteine 740 with tyrosine.
Molecular consequence: missense variant.
Genome position (GRCh38, 1-based): chr6:7,574,174, G>A. VCF-style: chr6-7574174-G-A. GRCh37 (hg19) VCF-style: chr6-7574407-G-A.
Other names: c.2219G>A, p.Cys740Tyr (NM_001008844.3, NM_001319034.2); short protein forms C740Y.
Identifiers: ClinVar variation 1304056 (VCV001304056.2), dbSNP rs780959873, ClinGen allele CA362680831.
Genomic context (GRCh38, chr6:7,574,174, plus strand): 5'-CTGAGGTTCTCAACCAGCTTAAAGATATGCTTGCCAACTTCAGAGGTTCTGAAAAGTACT[G>A]CTATTTACAGAATGAAGTATTTGGACTATTTCAGAAACTGGAAAATATCAATGGTGTTAC-3'
Protein context (NP_004406.2, residues 730-750): LANFRGSEKY[Cys740Tyr]YLQNEVFGLF

ClinVar aggregate classification (germline): Uncertain significance (1 of 4 stars; one submission).

Submission:

GeneDx
Classification: Uncertain significance. Last evaluated: 2019-11-17. Review status: criteria provided, single submitter. Criteria: GeneDx Variant Classification Process June 2021. Collection method: clinical testing. Allele origin: germline. Affected: yes.
Comment: Not observed in large population cohorts (Lek et al., 2016); In silico analysis, which includes protein predictors and evolutionary conservation, supports that this variant does not alter protein structure/function; Has not been previously published as pathogenic or benign to our knowledge